The following is an entry in ClinVar:

ClinVar aggregate classification (germline): Conflicting classifications of pathogenicity. Review status: criteria provided, conflicting classifications (1 of 4 stars). 4 submissions from 4 submitters: Uncertain significance (3); Likely benign (1). Last evaluated 2025-10-22.

Conditions:
Hereditary cancer-predisposing syndrome. Also called: Neoplastic Syndromes, Hereditary; Tumor predisposition; Hereditary Cancer Syndrome; Hereditary neoplastic syndrome. Identifiers: Orphanet 140162, MedGen C0027672, MeSH D009386, MONDO:0015356.
Gastrointestinal stromal tumor. Also called: Gastrointestinal stromal tumor, somatic; Gastrointestinal stroma tumor. Identifiers: Orphanet 44890, MedGen C0238198, MeSH D046152, MONDO:0011719, OMIM 606764, HP:0100723.

gnomAD v4.1: 1 of 1,612,852 alleles (0.000062%); no homozygotes.

Submissions (4):

Labcorp Genetics (formerly Invitae), Labcorp
Classification: Uncertain significance for Gastrointestinal stromal tumor. Last evaluated: 2025-10-22. Review status: criteria provided, single submitter. Criteria: Invitae Variant Classification Sherloc (09022015). Collection method: clinical testing. Allele origin: germline.
Comment: This sequence change replaces threonine, which is neutral and polar, with serine, which is neutral and polar, at codon 739 of the PDGFRA protein (p.Thr739Ser). This variant is not present in population databases (gnomAD no frequency). This variant has not been reported in the literature in individuals affected with PDGFRA-related conditions. ClinVar contains an entry for this variant (Variation ID: 846814). An algorithm developed to predict the effect of missense changes on protein structure and function (PolyPhen-2) suggests that this variant is likely to be tolerated. In summary, the available evidence is currently insufficient to determine the role of this variant in disease. Therefore, it has been classified as a Variant of Uncertain Significance.

Ambry Genetics
Classification: Likely benign for Hereditary cancer-predisposing syndrome. Last evaluated: 2025-06-09. Review status: criteria provided, single submitter. Criteria: Ambry Variant Classification Scheme 2023. Collection method: clinical testing. Allele origin: germline.

GeneDx
Classification: Uncertain significance. Last evaluated: 2024-05-03. Review status: criteria provided, single submitter. Criteria: GeneDx Variant Classification Process June 2021. Collection method: clinical testing. Allele origin: germline. Affected: yes.
Comment: Not observed at significant frequency in large population cohorts (gnomAD); In silico analysis indicates that this missense variant does not alter protein structure/function; Has not been previously published as pathogenic or benign to our knowledge

Mayo Clinic Laboratories, Mayo Clinic
Classification: Uncertain significance. Last evaluated: 2022-04-28. Review status: criteria provided, single submitter. Criteria: ACMG Guidelines, 2015. Collection method: clinical testing. Allele origin: germline. Observed: 1 variant allele.
Comment: BP4, PM2

NM_006206.6(PDGFRA):c.2215A>T (p.Thr739Ser)

Gene: PDGFRA (platelet derived growth factor receptor alpha; plus strand). Cytogenetic location: 4q12.
Variant type: single nucleotide variant.
Coding change: c.2215A>T on transcript NM_006206.6 (MANE Select); coding-DNA position 2215, A replaced by T.
Protein change: p.Thr739Ser; replaces threonine 739 with serine.
Molecular consequence: missense variant.
Genome position (GRCh38, 1-based): chr4:54,280,374, A>T. VCF-style: chr4-54280374-A-T. GRCh37 (hg19) VCF-style: chr4-55146541-A-T.
Other names: p.Thr739Ser; c.2215A>T, p.Thr739Ser (NM_001347827.2, NM_001347829.2); c.2290A>T, p.Thr764Ser (NM_001347828.2); c.2254A>T, p.Thr752Ser (NM_001347830.2); short protein forms T739S, T764S, T752S.
Identifiers: ClinVar variation 846814 (VCV000846814.13), dbSNP rs766379425, ClinGen allele CA356894327.
Genomic context (GRCh38, chr4:54,280,374, plus strand): 5'-AGCTATGTTATTTTATCTTTTGAAAACAATGGTGACTACATGGACATGAAGCAGGCTGAT[A>T]CTACACAGTATGTCCCCATGCTAGAAAGGAAAGAGGTTTCTAAATATTCCGACATCCAGA-3'
Protein context (NP_006197.1, residues 729-749): GDYMDMKQAD[Thr739Ser]TQYVPMLERK